The following is an entry in ClinVar:

NM_001290223.2(DOCK1):c.436AAG[2] (p.Lys148del)

Gene: DOCK1 (dedicator of cytokinesis 1; plus strand). Cytogenetic location: 10q26.2.
Variant type: Microsatellite.
Coding change: c.436AAG[2] on transcript NM_001290223.2 (MANE Select); two copies in a row of the 3-base unit AAG starting at c.436; the reference has three copies in a row; one copy, 3 bases deleted.
Protein change: p.Lys148del; deletes lysine 148.
Molecular consequence: inframe deletion. On other transcripts: intron variant (1).
Genome position (GRCh38, 1-based): chr10:126,990,572-126,990,574, AAG deleted; deleting any 3 consecutive bases within chr10:126,990,565-126,990,574 gives the same sequence; the position shown is the placement nearest the transcript's 3' end. VCF-style (leftmost placement, unchanged base first): chr10-126990564-TGAA-T. GRCh37 (hg19) VCF-style: chr10-128788828-TGAA-T.
Other names: c.436AAG[2], p.Lys148del (NM_001377543.1, NM_001377546.1, NM_001377547.1 and 7 more transcripts); c.472AAG[2], p.Lys160del (NM_001377544.1); c.352AAG[2], p.Lys120del (NM_001377548.1); c.131-18167GAA[2] (NM_001377560.1); short protein forms K148del, K120del, K160del.
Identifiers: ClinVar variation 521687 (VCV000521687.3), dbSNP rs758997336, ClinGen allele CA215382092.
Genomic context (GRCh38, chr10:126,990,564, plus strand): 5'-TTATTGAATGGCGATCACAAATTCTTTCTGGAACTCTGCCTCAGGATGAACTCAAAGAAC[TGAA>T]GAAGAAGGTCACAGCCAAAATTGATTATGGAAACAGGTTTGTTTATTTGAAAGATGATTT-3'

ClinVar aggregate classification (germline): Uncertain significance (1 of 4 stars; one submission).

Conditions:
Inborn genetic diseases. Identifiers: MedGen C0950123, MeSH D030342.

Submission:

Ambry Genetics
Classification: Uncertain significance for Hereditary disease. Last evaluated: 2017-05-17. Review status: criteria provided, single submitter. Criteria: ambry_reporting_categories_2017. Collection method: clinical testing. Allele origin: germline. Affected: yes. Observed: 1 heterozygote. Segregation with disease observed.
Comment: Lines of evidence used in support of classification: SUSPECTED CANDIDATE: Alteration(s) of Potential Clinical Relevance Detected

Literature cited by the submitters: PubMed 17765544; PubMed 3372592; PubMed 25022758; PubMed 26527617; PubMed 18591431; PubMed 18820033; PubMed 17670792; PubMed 18332221; PubMed 20829512; PubMed 27662902.